The following is an entry in ClinVar:

ClinVar aggregate classification (germline): Uncertain significance (1 of 4 stars; one submission).

Conditions:
Dilated cardiomyopathy 1O (CMD1O). Also called: CARDIOMYOPATHY, DILATED, WITH VENTRICULAR TACHYCARDIA. Identifiers: Orphanet 154, MedGen C1837839, MONDO:0012062, OMIM 608569.

Allele frequency attached by ClinVar (database versions not stated): gnomAD exomes below 0.00001.

Submission:

Labcorp Genetics (formerly Invitae), Labcorp
Classification: Uncertain significance for Dilated cardiomyopathy 1O. Last evaluated: 2022-04-18. Review status: criteria provided, single submitter. Criteria: Invitae Variant Classification Sherloc (09022015). Collection method: clinical testing. Allele origin: germline.
Comment: In summary, the available evidence is currently insufficient to determine the role of this variant in disease. Therefore, it has been classified as a Variant of Uncertain Significance. Experimental studies and prediction algorithms are not available or were not evaluated, and the functional significance of this variant is currently unknown. This premature translational stop signal has been observed in individual(s) with dilated cardiomyopathy (PMID: 32969603). This variant is present in population databases (no rsID available, gnomAD 0.003%). This sequence change creates a premature translational stop signal (p.Arg1506Hisfs*12) in the ABCC9 gene. While this is not anticipated to result in nonsense mediated decay, it is expected to disrupt the last 44 amino acid(s) of the ABCC9 protein.

Literature cited by the submitters: PubMed 32969603.

NM_020297.4(ABCC9):c.4512+691_4512+701del

Genes: ABCC9 (ATP binding cassette subfamily C member 9; minus strand), KCNJ8-AS1 (KCNJ8 antisense RNA 1; plus strand). Cytogenetic location: 12p12.1.
Variant type: Deletion.
Coding change: c.4512+691_4512+701del on transcript NM_020297.4 (MANE Select); bases 691 to 701 of the intron after coding-DNA position 4512, 11 bases deleted (GTGTCTCTTCT).
Molecular consequence: intron variant. On other transcripts: frameshift variant (1).
Genome position (GRCh38, 1-based): chr12:21,805,297-21,805,307, AGAAGAGACAC deleted on the plus strand (GTGTCTCTTCT on the coding strand, the reverse complement: ABCC9 is on the minus strand). VCF-style (leftmost placement, unchanged base first): chr12-21805296-TAGAAGAGACAC-T. GRCh37 (hg19) VCF-style: chr12-21958230-TAGAAGAGACAC-T.
Other names: c.4517_4527del, p.Arg1506fs (NM_005691.4); c.3645+691_3645+701del (NM_001377274.1); c.4512+691_4512+701del (NM_001377273.1); short protein forms R1506fs.
Identifiers: ClinVar variation 1367838 (VCV001367838.6), dbSNP rs1272651352, ClinGen allele CA603674290.